The following is an entry in ClinVar:

ClinVar aggregate classification (germline): Benign/Likely benign. Review status: criteria provided, multiple submitters, no conflicts (2 of 4 stars). 10 submissions from 9 submitters: Benign (9); Likely benign (1). Last evaluated 2026-02-04.

Conditions:
Retinitis pigmentosa and erythrocytic microcytosis (RPEM). Identifiers: MedGen C4310776, MONDO:0014850, OMIM 616959.
Congenital sideroblastic anemia-B-cell immunodeficiency-periodic fever-developmental delay syndrome. Also called: Sideroblastic anemia with B-cell immunodeficiency, periodic fevers, and developmental delay. Identifiers: Orphanet 369861, MedGen C4015172, MONDO:0014487, OMIM 616084.

Allele frequency attached by ClinVar (database versions not stated): TOPMed 0.90119; ESP Exome Variant Server 0.90181; 1000 Genomes Project 0.90455; gnomAD 0.90803 and 0.91431; ExAC 0.97222; gnomAD exomes 0.97687 and 0.99097.
gnomAD v4.1: 1,587,252 of 1,614,056 alleles (98%); highest among the groups gnomAD compares: East Asian, 100%; 783,687 homozygotes.

Submissions (10):

Labcorp Genetics (formerly Invitae), Labcorp
Classification: Benign for Congenital sideroblastic anemia-B-cell immunodeficiency-periodic fever-developmental delay syndrome. Last evaluated: 2026-02-04. Review status: criteria provided, single submitter. Criteria: Invitae Variant Classification Sherloc (09022015). Collection method: clinical testing. Allele origin: germline.

Women's Health and Genetics/Laboratory Corporation of America, LabCorp
Classification: Benign. Last evaluated: 2026-01-21. Review status: criteria provided, single submitter. Criteria: LabCorp Variant Classification Summary - May 2015. Collection method: clinical testing. Allele origin: germline.

Blueprint Genetics
Classification: Likely benign. Last evaluated: 2024-11-26. Review status: criteria provided, single submitter. Criteria: ACMG Guidelines, 2015. Collection method: clinical testing. Allele origin: germline.

Unidad de Genómica Garrahan, Hospital de Pediatría Garrahan
Classification: Benign. Last evaluated: 2024-01-24. Review status: criteria provided, single submitter. Criteria: ACMG Guidelines, 2015. Collection method: clinical testing. Allele origin: germline. Affected: no. Observed: 95 variant alleles.
Comment: This variant is classified as Benign based on local population frequency. This variant was detected in 100% of patients studied by a panel of primary immunodeficiencies. Number of patients: 95. Only high quality variants are reported.

Mayo Clinic Laboratories, Mayo Clinic
Classification: Benign. Last evaluated: 2022-10-27. Review status: criteria provided, single submitter. Criteria: ACMG Guidelines, 2015. Collection method: clinical testing. Allele origin: germline. Observed: 880 variant alleles.

Genome-Nilou Lab
Classification: Benign for Retinitis pigmentosa and erythrocytic microcytosis. Last evaluated: 2021-09-10. Review status: criteria provided, single submitter. Criteria: ACMG Guidelines, 2015. Collection method: clinical testing. Allele origin: germline. Affected: no.

Genome-Nilou Lab
Classification: Benign for Congenital sideroblastic anemia-B-cell immunodeficiency-periodic fever-developmental delay syndrome. Last evaluated: 2021-09-10. Review status: criteria provided, single submitter. Criteria: ACMG Guidelines, 2015. Collection method: clinical testing. Allele origin: germline. Affected: no.

Mendelics
Classification: Benign for Congenital sideroblastic anemia-B-cell immunodeficiency-periodic fever-developmental delay syndrome. Last evaluated: 2019-05-28. Review status: criteria provided, single submitter. Criteria: Mendelics Assertion Criteria 2017. Collection method: clinical testing. Allele origin: unknown.

Laboratory for Molecular Medicine, Mass General Brigham Personalized Medicine
Classification: Benign. Last evaluated: 2016-03-29. Review status: criteria provided, single submitter. Criteria: LMM Criteria. Collection method: clinical testing. Allele origin: germline.
Comment: Variant identified in a genome or exome case(s) and assessed due to predicted null impact of the variant or pathogenic assertions in the literature or databases. Disclaimer: This variant has not undergone full assessment. The following are preliminary notes: Frequency

Breakthrough Genomics
Classification: Benign. Review status: criteria provided, single submitter. Criteria: ACMG Guidelines, 2015. Collection method: not provided. Allele origin: germline. Inheritance: Autosomal recessive inheritance. Affected: yes.

NM_182916.3(TRNT1):c.68C>T (p.Pro23Leu)

Gene: TRNT1 (tRNA nucleotidyl transferase 1; plus strand). Cytogenetic location: 3p26.2.
Variant type: single nucleotide variant.
Coding change: c.68C>T on transcript NM_182916.3 (MANE Select); coding-DNA position 68, C replaced by T.
Protein change: p.Pro23Leu; replaces proline 23 with leucine.
Molecular consequence: missense variant. On other transcripts: non-coding transcript variant (11).
Genome position (GRCh38, 1-based): chr3:3,129,108, C>T. VCF-style: chr3-3129108-C-T. GRCh37 (hg19) VCF-style: chr3-3170792-C-T.
Other names: p.Pro23Leu; c.68C>T, p.Pro23Leu (NM_001302946.2, NM_001367321.1, NM_001367322.1 and 1 more transcripts); short protein forms P23L.
Identifiers: ClinVar variation 403570 (VCV000403570.21), dbSNP rs334773, ClinGen allele CA2228502.
Genomic context (GRCh38, chr3:3,129,108, plus strand): 5'-GGTGCCTGTATCATTGGCACAGGCCAGTGCTGAACCGTAGGTGGAGTAGGCTGTGCCTTC[C>T]GAAGCAGTATCTATTCACAATGAAGTTGCAGTCTCCCGAATTCCAGTCACTTTTCACAGA-3'
Protein context (NP_886552.3, residues 13-33): LNRRWSRLCL[Pro23Leu]KQYLFTMKLQ